The following is an entry in ClinVar:

ClinVar aggregate classification (germline): Uncertain significance. Review status: criteria provided, multiple submitters, no conflicts (2 of 4 stars). 2 submissions from 2 submitters: Uncertain significance (2). Last evaluated 2025-08-30.

Conditions:
Inborn genetic diseases. Identifiers: MedGen C0950123, MeSH D030342.

Allele frequency attached by ClinVar (database versions not stated): gnomAD 0.00001; gnomAD exomes 0.00001; TOPMed 0.00001.
gnomAD v4.1: 19 of 1,613,812 alleles (0.0012%); highest among the groups gnomAD compares: African/African-American, 0.0027%; no homozygotes.

Submissions (2):

Ambry Genetics
Classification: Uncertain significance for Inborn genetic diseases. Last evaluated: 2025-08-30. Review status: criteria provided, single submitter. Criteria: Ambry Variant Classification Scheme 2023. Collection method: clinical testing. Allele origin: germline.

Labcorp Genetics (formerly Invitae), Labcorp
Classification: Uncertain significance. Last evaluated: 2022-07-11. Review status: criteria provided, single submitter. Criteria: Invitae Variant Classification Sherloc (09022015). Collection method: clinical testing. Allele origin: germline.
Comment: This sequence change replaces proline, which is neutral and non-polar, with leucine, which is neutral and non-polar, at codon 817 of the PCDH15 protein (p.Pro817Leu). This variant is present in population databases (no rsID available, gnomAD 0.002%). This variant has not been reported in the literature in individuals affected with PCDH15-related conditions. ClinVar contains an entry for this variant (Variation ID: 1402394). Algorithms developed to predict the effect of missense changes on protein structure and function are either unavailable or do not agree on the potential impact of this missense change (SIFT: "Deleterious"; PolyPhen-2: "Probably Damaging"; Align-GVGD: "Class C0"). In summary, the available evidence is currently insufficient to determine the role of this variant in disease. Therefore, it has been classified as a Variant of Uncertain Significance.

NM_001384140.1(PCDH15):c.2450C>T (p.Pro817Leu)

Gene: PCDH15 (protocadherin related 15; minus strand). Cytogenetic location: 10q21.1.
Variant type: single nucleotide variant.
Coding change: c.2450C>T on transcript NM_001384140.1 (MANE Select); coding-DNA position 2450, C replaced by T.
Protein change: p.Pro817Leu; replaces proline 817 with leucine.
Molecular consequence: missense variant.
Genome position (GRCh38, 1-based): chr10:54,022,968, G>A on the plus strand (C>T on the coding strand, the complement: PCDH15 is on the minus strand). VCF-style: chr10-54022968-G-A. GRCh37 (hg19) VCF-style: chr10-55782728-G-A.
Other names: c.2465C>T, p.Pro822Leu (NM_001142763.2, NM_001142771.2); c.2450C>T, p.Pro817Leu (NM_001142764.2, NM_001142766.2, NM_001142770.3 and 5 more transcripts); c.2237C>T, p.Pro746Leu (NM_001142765.2); c.2339C>T, p.Pro780Leu (NM_001142767.2); c.2384C>T, p.Pro795Leu (NM_001142768.2, NM_001142773.2, NM_001354404.2); c.2486C>T, p.Pro829Leu (NM_001142769.4); c.2471C>T, p.Pro824Leu (NM_001354411.2); short protein forms P817L, P824L, P822L, P780L, P795L, P829L, P746L.
Identifiers: ClinVar variation 1402394 (VCV001402394.7), dbSNP rs1399196807, ClinGen allele CA376523274.